The following is an entry in ClinVar:

ClinVar aggregate classification (germline): Likely benign. Review status: reviewed by expert panel (3 of 4 stars). 8 submissions from 8 submitters: Likely benign (1). 7 of the submissions do not count toward it. Last evaluated 2025-12-02.

Conditions:
BRCA2-related cancer predisposition. Identifiers: MedGen CN377758, MONDO:0700269.
Familial cancer of breast. Also called: BREAST CANCER, FAMILIAL; hereditary breast carcinoma; Hereditary breast cancer. Identifiers: Orphanet 227535, MedGen C0346153, MONDO:0016419, OMIM 114480. Disease mechanism: loss of function.
Hereditary cancer-predisposing syndrome. Also called: Tumor predisposition; Hereditary Cancer Syndrome; Hereditary neoplastic syndrome; Neoplastic Syndromes, Hereditary. Identifiers: Orphanet 140162, MedGen C0027672, MeSH D009386, MONDO:0015356.
Ovarian cancer. Also called: OVARIAN CANCER, SOMATIC. Identifiers: Orphanet 213500, MedGen C1140680, MONDO:0008170, OMIM 167000.
Hereditary breast ovarian cancer syndrome. Also called: Breast and ovarian cancer; Hereditary breast and ovarian cancer syndrome; Hereditary breast and ovarian cancer; BRCA1- and BRCA2-Associated Hereditary Breast and Ovarian Cancer; Hereditary breast and ovarian cancer syndrome (HBOC); Hereditary breast and/or ovarian cancer syndrome. Identifiers: Orphanet 145, MedGen C0677776, MeSH D061325, MONDO:0003582. Disease mechanism: loss of function.
Breast-ovarian cancer, familial, susceptibility to, 2 (BROVCA2). Also called: BRCA2 Hereditary Breast and Ovarian Cancer. Identifiers: Orphanet 145, MedGen C2675520, MONDO:0012933, OMIM 612555. Disease mechanism: loss of function.

Allele frequency attached by ClinVar (database versions not stated): TOPMed below 0.00001.
gnomAD v4.1: 1 of 1,613,722 alleles (0.000062%); highest among the groups gnomAD compares: Admixed American, 0.0017%; no homozygotes.

Submissions (8):

ClinGen ENIGMA BRCA1 and BRCA2 Variant Curation Expert Panel, ClinGen
Classification: Likely benign for BRCA2-related cancer predisposition. Last evaluated: 2025-12-02. Review status: reviewed by expert panel. Criteria: CSpec BRCA12ACMG Rules Specifications V1.1. Collection method: curation. Allele origin: germline. Inheritance: Autosomal dominant inheritance.
Comment: The c.8354C>T variant in BRCA2 is a missense variant predicted to cause substitution of Proline by Leucine at amino acid 2785 (p.(Pro2785Leu)). This variant is present in gnomAD v2.1 (exomes only, non-cancer subset) or gnomAD v3.1 (non-cancer subset) but is below the ENIGMA BRCA1/2 VCEP threshold >0.00002 for BS1_Supporting (PM2_Supporting, BS1, and BA1 are not met). Reported by three calibrated studies to exhibit protein function similar to benign control variants (PMIDs:38417439, 39779857, 39779848) (BS3 met). This BRCA2 missense variant is within a key functional domain and the computational predictor BayesDel (noAF) gives a score of -0.008, which is below the recommended threshold of 0.18 for predicting no impact on BRCA2 via protein change. A SpliceAI score of 0.04 predicts no impact on splicing (score threshold <0.10) (BP4 met). Multifactorial likelihood ratio analysis using clinically calibrated data produced a combined LR for this variant of 1.15 (based on Family History LR=1.15), which is above the ENIGMA BRCA1/2 VCEP threshold for BP5 (>0.48) and below PP4 (<2.08) (BP5 and PP4 not met; PMID: 31853058). In summary, this variant meets the criteria to be classified as a Likely benign variant for BRCA2-related cancer predisposition based on the ACMG/AMP criteria applied as specified by the ENIGMA BRCA1/2 VCEP (BS3, BP4).

Labcorp Genetics (formerly Invitae), Labcorp
Classification: Uncertain significance for Hereditary breast ovarian cancer syndrome. Last evaluated: 2025-11-10. Review status: criteria provided, single submitter. Criteria: Invitae Variant Classification Sherloc (09022015). Collection method: clinical testing. Allele origin: germline. Not counted in ClinVar's aggregate classification.
Comment: This sequence change replaces proline, which is neutral and non-polar, with leucine, which is neutral and non-polar, at codon 2785 of the BRCA2 protein (p.Pro2785Leu). This variant is not present in population databases (gnomAD no frequency). This variant has not been reported in the literature in individuals affected with BRCA2-related conditions. ClinVar contains an entry for this variant (Variation ID: 185253). Invitae Evidence Modeling of protein sequence and biophysical properties (such as structural, functional, and spatial information, amino acid conservation, physicochemical variation, residue mobility, and thermodynamic stability) indicates that this missense variant is not expected to disrupt BRCA2 protein function with a negative predictive value of 95%. In summary, the available evidence is currently insufficient to determine the role of this variant in disease. Therefore, it has been classified as a Variant of Uncertain Significance.

Color Diagnostics, LLC DBA Color Health
Classification: Uncertain significance for Hereditary cancer-predisposing syndrome. Last evaluated: 2025-09-30. Review status: criteria provided, single submitter. Criteria: ACMG Guidelines, 2015. Collection method: clinical testing. Allele origin: germline. Not counted in ClinVar's aggregate classification.
Comment: This missense variant replaces proline with leucine at codon 2785 of the BRCA2 protein. Computational prediction is inconclusive regarding the impact of this variant on protein structure and function. Functional studies have been reported that this variant does not impact BRCA2 in a homology-directed DNA repair assay, sensitivity assays to cisplatin and PARP inhibitor and in a haploid cell proliferation assay (PMID: 35736817, 39779848, 39779857). This variant has been reported in an individual affected with ovarian cancer (PMID: 38509102). Multifactorial analysis on clinical data has reached a combined likelihood ratio (LR) of 1.15 from published LR for 1 carrier (PMID: 31853058). This variant has been identified in 1/152120 chromosomes in the general population by the Genome Aggregation Database (gnomAD). The available evidence is insufficient to determine the role of this variant in disease conclusively. Therefore, this variant is classified as a Variant of Uncertain Significance.

Baylor Genetics
Classification: Uncertain significance for Familial cancer of breast. Last evaluated: 2024-02-21. Review status: criteria provided, single submitter. Criteria: ACMG Guidelines, 2015. Collection method: clinical testing. Allele origin: unknown. Not counted in ClinVar's aggregate classification.

Ambry Genetics
Classification: Likely benign for Hereditary cancer-predisposing syndrome. Last evaluated: 2022-01-18. Review status: criteria provided, single submitter. Criteria: Ambry Variant Classification Scheme 2023. Collection method: clinical testing. Allele origin: germline. Not counted in ClinVar's aggregate classification.

Laboratory of Molecular Epidemiology of Birth Defects, West China Second University Hospital, Sichuan University
Classification: Likely pathogenic for Ovarian cancer. Last evaluated: 2022-01-01. Review status: criteria provided, single submitter. Criteria: ACMG Guidelines, 2015. Collection method: clinical testing. Allele origin: germline. Affected: yes. Not counted in ClinVar's aggregate classification.

Women's Health and Genetics/Laboratory Corporation of America, LabCorp
Classification: Uncertain significance. Last evaluated: 2019-05-10. Review status: criteria provided, single submitter. Criteria: LabCorp Variant Classification Summary - May 2015. Collection method: clinical testing. Allele origin: germline. Not counted in ClinVar's aggregate classification.
Comment: Variant summary: BRCA2 c.8354C>T (p.Pro2785Leu) results in a non-conservative amino acid change located in the OB1 (oligonucleotide binding) fold (IPR015187) of the encoded protein sequence. Five of five in-silico tools predict a damaging effect of the variant on protein function. The variant was absent in 251430 control chromosomes (gnomAD). The available data on variant occurrences in the general population are insufficient to allow any conclusion about variant significance. To our knowledge, no occurrence of c.8354C>T in individuals affected with Hereditary Breast and Ovarian Cancer and no experimental evidence demonstrating its impact on protein function have been reported. Two ClinVar submissions from clinical diagnostic laboratories (evaluation after 2014) cite the variant as uncertain significance. Based on the evidence outlined above, the variant was classified as uncertain significance.

Counsyl
Classification: Uncertain significance for Breast-ovarian cancer, familial, susceptibility to, 2. Last evaluated: 2015-11-24. Review status: no assertion criteria provided. Collection method: clinical testing. Allele origin: unknown. Not counted in ClinVar's aggregate classification.

Literature cited by the submitters: PubMed 31853058 (cited by Color Diagnostics, LLC DBA Color Health and Ambry Genetics); PubMed 35736817 (cited by Color Diagnostics, LLC DBA Color Health); PubMed 38509102 (cited by Color Diagnostics, LLC DBA Color Health); PubMed 39779848 (cited by Color Diagnostics, LLC DBA Color Health); PubMed 39779857 (cited by Color Diagnostics, LLC DBA Color Health).

NM_000059.4(BRCA2):c.8354C>T (p.Pro2785Leu)

Gene: BRCA2 (BRCA2 DNA repair associated; plus strand). Cytogenetic location: 13q13.1.
Variant type: single nucleotide variant.
Coding change: c.8354C>T on transcript NM_000059.4 (MANE Select); coding-DNA position 8354, C replaced by T.
Protein change: p.Pro2785Leu; replaces proline 2785 with leucine.
Molecular consequence: missense variant.
Genome position (GRCh38, 1-based): chr13:32,370,424, C>T. VCF-style: chr13-32370424-C-T. GRCh37 (hg19) VCF-style: chr13-32944561-C-T.
Other names: NM_000059.4(BRCA2):c.8354C>T; p.Pro2785Leu; short protein forms P2785L.
Identifiers: ClinVar variation 185253 (VCV000185253.21), dbSNP rs786202034, ClinGen allele CA025597.